The following is an entry in ClinVar:

NM_012434.5(SLC17A5):c.762A>C (p.Lys254Asn)

Gene: SLC17A5 (solute carrier family 17 member 5; minus strand). Cytogenetic location: 6q13.
Variant type: single nucleotide variant.
Coding change: c.762A>C on transcript NM_012434.5 (MANE Select); coding-DNA position 762, A replaced by C.
Protein change: p.Lys254Asn; replaces lysine 254 with asparagine.
Molecular consequence: missense variant.
Genome position (GRCh38, 1-based): chr6:73,635,439, T>G on the plus strand (A>C on the coding strand, the complement: SLC17A5 is on the minus strand). VCF-style: chr6-73635439-T-G. GRCh37 (hg19) VCF-style: chr6-74345162-T-G.
Other names: c.531A>C, p.Lys177Asn (NM_001382629.1); c.762A>C, p.Lys254Asn (NM_001382630.1, NM_001382633.1, NM_001382634.1); c.783A>C, p.Lys261Asn (NM_001382631.1); c.675A>C, p.Lys225Asn (NM_001382632.1); c.759A>C, p.Lys253Asn (NM_001382635.1); c.444A>C, p.Lys148Asn (NM_001382636.1); short protein forms K253N, K254N, K261N, K148N, K177N, K225N.
Identifiers: ClinVar variation 1450446 (VCV001450446.6), dbSNP rs767502652, ClinGen allele CA140972034.

ClinVar aggregate classification (germline): Uncertain significance (1 of 4 stars; one submission).

Conditions:
Salla disease (SD). Also called: Less Severe FSASD (Salla Disease); Sialuria, Finnish type; N-acetylneuraminic acid (NANA) storage disease (NSD); Infantile sialic acid storage disorder (ISSD). Identifiers: Orphanet 309334, Orphanet 834, MedGen C1096903, MONDO:0011449, OMIM 604369.

Allele frequency attached by ClinVar (database versions not stated): TOPMed 0.00003; gnomAD exomes below 0.00001; gnomAD 0.00001.
gnomAD v4.1: 5 of 1,609,508 alleles (0.00031%); highest among the groups gnomAD compares: Admixed American, 0.0033%; no homozygotes.

Submission:

Labcorp Genetics (formerly Invitae), Labcorp
Classification: Uncertain significance for Salla disease. Last evaluated: 2024-11-05. Review status: criteria provided, single submitter. Criteria: Invitae Variant Classification Sherloc (09022015). Collection method: clinical testing. Allele origin: germline.
Comment: This sequence change replaces lysine, which is basic and polar, with asparagine, which is neutral and polar, at codon 254 of the SLC17A5 protein (p.Lys254Asn). This variant is not present in population databases (gnomAD no frequency). This variant has not been reported in the literature in individuals affected with SLC17A5-related conditions. ClinVar contains an entry for this variant (Variation ID: 1450446). Invitae Evidence Modeling of protein sequence and biophysical properties (such as structural, functional, and spatial information, amino acid conservation, physicochemical variation, residue mobility, and thermodynamic stability) indicates that this missense variant is not expected to disrupt SLC17A5 protein function with a negative predictive value of 95%. In summary, the available evidence is currently insufficient to determine the role of this variant in disease. Therefore, it has been classified as a Variant of Uncertain Significance.